The following is an entry in ClinVar:

NM_001164508.2(NEB):c.23840T>G (p.Leu7947Trp)

Genes: RIF1 (replication timing regulatory factor 1; plus strand), NEB (nebulin; minus strand). Cytogenetic location: 2q23.3.
Variant type: single nucleotide variant.
Coding change: c.23840T>G on transcript NM_001164508.2 (MANE Select); coding-DNA position 23840, T replaced by G.
Protein change: p.Leu7947Trp; replaces leucine 7947 with tryptophan.
Molecular consequence: missense variant.
Genome position (GRCh38, 1-based): chr2:151,502,881, A>C on the plus strand (T>G on the coding strand, the complement: NEB is on the minus strand). VCF-style: chr2-151502881-A-C. GRCh37 (hg19) VCF-style: chr2-152359395-A-C.
Other names: c.23840T>G, p.Leu7947Trp (NM_001164507.2); c.23945T>G, p.Leu7982Trp (NM_001271208.2); c.18737T>G, p.Leu6246Trp (NM_004543.5); c.18737T>G (NM_004543.4); short protein forms L7982W, L6246W, L7947W.
Identifiers: ClinVar variation 465573 (VCV000465573.21), dbSNP rs200559481, ClinGen allele CA1906211.

ClinVar aggregate classification (germline): Conflicting classifications of pathogenicity. Review status: criteria provided, conflicting classifications (1 of 4 stars). 8 submissions from 8 submitters: Uncertain significance (5); Likely benign (1). 2 of the submissions do not count toward it. Last evaluated 2026-01-20.

Conditions:
Inborn genetic diseases. Identifiers: MedGen C0950123, MeSH D030342.
NEB-related disorder. Also called: NEB-related condition; NEB-Related Disorders.
Nemaline myopathy 2 (NEM2). Also called: Nemaline myopathy 2, autosomal recessive. Identifiers: MedGen C1850569, MONDO:0009725, OMIM 256030.

Allele frequency attached by ClinVar (database versions not stated): gnomAD 0.00008 and 0.00009; gnomAD exomes 0.00008; TOPMed 0.00009; ExAC 0.00010; 1000 Genomes Project 30x 0.00016; 1000 Genomes Project 0.00020.
gnomAD v4.1: 79 of 1,581,982 alleles (0.005%); highest among the groups gnomAD compares: Middle Eastern, 0.017%; no homozygotes.

Submissions (8):

Labcorp Genetics (formerly Invitae), Labcorp
Classification: Likely benign for Nemaline myopathy 2. Last evaluated: 2026-01-20. Review status: criteria provided, single submitter. Criteria: Invitae Variant Classification Sherloc (09022015). Collection method: clinical testing. Allele origin: germline.

Ambry Genetics
Classification: Uncertain significance for Inborn genetic diseases. Last evaluated: 2025-07-15. Review status: criteria provided, single submitter. Criteria: Ambry Variant Classification Scheme 2023. Collection method: clinical testing. Allele origin: germline.

GeneDx
Classification: Uncertain significance. Last evaluated: 2024-12-27. Review status: criteria provided, single submitter. Criteria: GeneDx Variant Classification Process June 2021. Collection method: clinical testing. Allele origin: germline. Affected: yes.
Comment: Not observed at significant frequency in large population cohorts (gnomAD); In silico analysis supports that this missense variant has a deleterious effect on protein structure/function; Has not been previously published as pathogenic or benign to our knowledge

Revvity Omics, Revvity
Classification: Uncertain significance. Last evaluated: 2024-09-18. Review status: criteria provided, single submitter. Criteria: ACMG Guidelines, 2015. Collection method: clinical testing. Allele origin: germline.

Pittsburgh Clinical Genomics Laboratory, University of Pittsburgh Medical Center
Classification: Uncertain significance for Nemaline myopathy 2. Last evaluated: 2024-06-28. Review status: criteria provided, single submitter. Criteria: ACMG Guidelines, 2015. Collection method: clinical testing. Allele origin: germline. Inheritance: Autosomal recessive inheritance. Affected: yes.
Comment: This sequence variant is a single nucleotide substitution (T>G) at position 23945 of the coding sequence of the NEB gene that results in a leucine to tryptophan amino acid change at residue 7982 of the nebulin protein. This is a previously reported variant (ClinVar 465573) that has not been observed in the literature in individuals affected by NEB-related disorders, to our knowledge. This variant is present in 79 of 1581982 alleles (0.004994%) in the gnomAD v4.1.0 population dataset. Multiple bioinformatic tools predict that this amino acid change would be damaging, and the Leu7982 residue at this position is moderately conserved across the vertebrate species examined. Studies examining the functional consequence of this variant have not been published, to our knowledge. At this time, there is insufficient evidence to determine if this variant is pathogenic or benign. Therefore, we consider this a variant of uncertain significance. ACMG Criteria: BP1, BP4

Pars Genome Lab
Classification: Uncertain significance for Nemaline myopathy 2. Last evaluated: 2021-05-18. Review status: criteria provided, single submitter. Criteria: ACMG Guidelines, 2015. Collection method: clinical testing. Allele origin: germline. Affected: no.

PreventionGenetics, part of Exact Sciences
Classification: Uncertain significance for NEB-related condition. Last evaluated: 2024-02-21. Review status: no assertion criteria provided. Collection method: clinical testing. Allele origin: germline. Not counted in ClinVar's aggregate classification.
Comment: The NEB c.23945T>G variant is predicted to result in the amino acid substitution p.Leu7982Trp. To our knowledge, this variant has not been reported in the literature. This variant is reported in 0.013% of alleles in individuals of European (Non-Finnish) descent in gnomAD. At this time, the clinical significance of this variant is uncertain due to the absence of conclusive functional and genetic evidence.

Natera, Inc.
Classification: Uncertain significance for Nemaline myopathy type 2. Last evaluated: 2019-11-11. Review status: no assertion criteria provided. Collection method: clinical testing. Allele origin: germline. Not counted in ClinVar's aggregate classification.